The following is an entry in ClinVar:

NM_001008212.2(OPTN):c.76C>A (p.His26Asn)

Genes: OPTN (optineurin; plus strand), LOC108903148 (10p13 OPTN distal Alu-mediated recombination region; plus strand). Cytogenetic location: 10p13.
Variant type: single nucleotide variant.
Coding change: c.76C>A on transcript NM_001008212.2 (MANE Select); coding-DNA position 76, C replaced by A.
Protein change: p.His26Asn; replaces histidine 26 with asparagine.
Molecular consequence: missense variant.
Genome position (GRCh38, 1-based): chr10:13,109,198, C>A. VCF-style: chr10-13109198-C-A. GRCh37 (hg19) VCF-style: chr10-13151198-C-A.
Other names: c.76C>A, p.His26Asn (NM_001008211.1, NM_001008213.1, NM_021980.4); short protein forms H26N.
Identifiers: ClinVar variation 1963117 (VCV001963117.7), dbSNP rs200710076, ClinGen allele CA5410503.

ClinVar aggregate classification (germline): Conflicting classifications of pathogenicity. Review status: criteria provided, conflicting classifications (1 of 4 stars). 3 submissions from 3 submitters: Uncertain significance (1); Likely benign (1). 1 of the submissions does not count toward it. Last evaluated 2025-08-13.

Conditions:
Inborn genetic diseases. Identifiers: MedGen C0950123, MeSH D030342.
OPTN-related disorder. Also called: OPTN-related condition; OPTN-related disorders.
Glaucoma 1, open angle, E. Identifiers: MedGen C1842026, MONDO:0007665.
Amyotrophic lateral sclerosis type 12 (ALS12). Also called: AMYOTROPHIC LATERAL SCLEROSIS 12 WITH OR WITHOUT FRONTOTEMPORAL DEMENTIA. Identifiers: Orphanet 803, MedGen C3150692, MONDO:0013264, OMIM 613435.
Primary open angle glaucoma (POAG). Also called: OPTN-related open angle glaucoma. Identifiers: MedGen C0339573, MONDO:0100553, OMIM 137760.

Allele frequency attached by ClinVar (database versions not stated): TOPMed 0.00004; 1000 Genomes Project 30x 0.00031.
gnomAD v4.1: 32 of 1,613,994 alleles (0.002%); highest among the groups gnomAD compares: African/African-American, 0.013%; no homozygotes.

Submissions (3):

Ambry Genetics
Classification: Likely benign for Inborn genetic diseases. Last evaluated: 2025-08-13. Review status: criteria provided, single submitter. Criteria: Ambry Variant Classification Scheme 2023. Collection method: clinical testing. Allele origin: germline.

Labcorp Genetics (formerly Invitae), Labcorp
Classification: Uncertain significance for Primary open angle glaucoma; Glaucoma 1, open angle, E; Amyotrophic lateral sclerosis type 12. Last evaluated: 2024-05-16. Review status: criteria provided, single submitter. Criteria: Invitae Variant Classification Sherloc (09022015). Collection method: clinical testing. Allele origin: germline.
Comment: This sequence change replaces histidine, which is basic and polar, with asparagine, which is neutral and polar, at codon 26 of the OPTN protein (p.His26Asn). This variant is present in population databases (rs200710076, gnomAD 0.01%). This variant has not been reported in the literature in individuals affected with OPTN-related conditions. ClinVar contains an entry for this variant (Variation ID: 1963117). Algorithms developed to predict the effect of missense changes on protein structure and function output the following: SIFT: "Not Available"; PolyPhen-2: "Benign"; Align-GVGD: "Not Available". The asparagine amino acid residue is found in multiple mammalian species, which suggests that this missense change does not adversely affect protein function. In summary, the available evidence is currently insufficient to determine the role of this variant in disease. Therefore, it has been classified as a Variant of Uncertain Significance.

PreventionGenetics, part of Exact Sciences
Classification: Uncertain significance for OPTN-related condition. Last evaluated: 2024-04-01. Review status: no assertion criteria provided. Collection method: clinical testing. Allele origin: germline. Not counted in ClinVar's aggregate classification.
Comment: The OPTN c.76C>A variant is predicted to result in the amino acid substitution p.His26Asn. To our knowledge, this variant has not been reported in the literature. This variant is reported in 0.012% of alleles in individuals of African descent in gnomAD. At this time, the clinical significance of this variant is uncertain due to the absence of conclusive functional and genetic evidence.